The following is an entry in ClinVar:

ClinVar aggregate classification (germline): Uncertain significance. Review status: criteria provided, multiple submitters, no conflicts (2 of 4 stars). 2 submissions from 2 submitters: Uncertain significance (2). Last evaluated 2023-12-31.

Conditions:
Hereditary cancer-predisposing syndrome. Also called: Hereditary neoplastic syndrome; Tumor predisposition; Neoplastic Syndromes, Hereditary; Hereditary Cancer Syndrome. Identifiers: Orphanet 140162, MedGen C0027672, MeSH D009386, MONDO:0015356.

Allele frequency attached by ClinVar (database versions not stated): gnomAD exomes below 0.00001.
gnomAD v4.1: 1 of 1,614,058 alleles (0.000062%); highest among the groups gnomAD compares: East Asian, 0.0022%; no homozygotes.

Submissions (2):

Ambry Genetics
Classification: Uncertain significance for Hereditary cancer-predisposing syndrome. Last evaluated: 2023-12-31. Review status: criteria provided, single submitter. Criteria: Ambry Variant Classification Scheme 2023. Collection method: clinical testing. Allele origin: germline.
Comment: The p.S2T variant (also known as c.4T>A), located in coding exon 1 of the RAD50 gene, results from a T to A substitution at nucleotide position 4. The serine at codon 2 is replaced by threonine, an amino acid with similar properties. This amino acid position is conserved. In addition, this alteration is predicted to be tolerated by in silico analysis. Since supporting evidence is limited at this time, the clinical significance of this alteration remains unclear.

Labcorp Genetics (formerly Invitae), Labcorp
Classification: Uncertain significance for Hereditary cancer-predisposing syndrome. Last evaluated: 2021-09-25. Review status: criteria provided, single submitter. Criteria: Invitae Variant Classification Sherloc (09022015). Collection method: clinical testing. Allele origin: germline.
Comment: This variant has not been reported in the literature in individuals affected with RAD50-related conditions. In summary, the available evidence is currently insufficient to determine the role of this variant in disease. Therefore, it has been classified as a Variant of Uncertain Significance. Algorithms developed to predict the effect of missense changes on protein structure and function are either unavailable or do not agree on the potential impact of this missense change (SIFT: "Deleterious"; PolyPhen-2: "Possibly Damaging"; Align-GVGD: "Class C0"). This variant is not present in population databases (ExAC no frequency). This sequence change replaces serine with threonine at codon 2 of the RAD50 protein (p.Ser2Thr). The serine residue is moderately conserved and there is a small physicochemical difference between serine and threonine.

NM_005732.4(RAD50):c.4T>A (p.Ser2Thr)

Gene: RAD50 (RAD50 double strand break repair protein; plus strand). Cytogenetic location: 5q31.1.
Variant type: single nucleotide variant.
Coding change: c.4T>A on transcript NM_005732.4 (MANE Select); coding-DNA position 4, T replaced by A.
Protein change: p.Ser2Thr; replaces serine 2 with threonine.
Molecular consequence: missense variant.
Genome position (GRCh38, 1-based): chr5:132,557,328, T>A. VCF-style: chr5-132557328-T-A. GRCh37 (hg19) VCF-style: chr5-131893020-T-A.
Other names: c.4T>A (NM_005732.3); short protein forms S2T.
Identifiers: ClinVar variation 1345270 (VCV001345270.7), dbSNP rs1750018146, ClinGen allele CA360950642.